The following is an entry in ClinVar:

ClinVar aggregate classification (germline): Uncertain significance (1 of 4 stars; one submission).

Conditions:
Inborn genetic diseases. Identifiers: MedGen C0950123, MeSH D030342.

gnomAD v4.1: 2 of 1,610,756 alleles (0.00012%); highest among the groups gnomAD compares: African/African-American, 0.0027%; no homozygotes.

Submission:

Ambry Genetics
Classification: Uncertain significance for Inborn genetic diseases. Last evaluated: 2025-06-09. Review status: criteria provided, single submitter. Criteria: Ambry Variant Classification Scheme 2023. Collection method: clinical testing. Allele origin: germline.
Comment: The p.R92G variant (also known as c.274C>G), located in coding exon 3 of the ELANE gene, results from a C to G substitution at nucleotide position 274. The arginine at codon 92 is replaced by glycine, an amino acid with dissimilar properties. This amino acid position is conserved. In addition, this alteration is predicted to be tolerated by in silico analysis. Based on the available evidence, the clinical significance of this variant remains unclear.

NM_001972.4(ELANE):c.274C>G (p.Arg92Gly)

Gene: ELANE (elastase, neutrophil expressed; plus strand). Cytogenetic location: 19p13.3.
Variant type: single nucleotide variant.
Coding change: c.274C>G on transcript NM_001972.4 (MANE Select); coding-DNA position 274, C replaced by G.
Protein change: p.Arg92Gly; replaces arginine 92 with glycine.
Molecular consequence: missense variant.
Genome position (GRCh38, 1-based): chr19:853,311, C>G. VCF-style: chr19-853311-C-G. GRCh37 (hg19) VCF-style: chr19-853311-C-G.
Other names: short protein forms R92G.
Identifiers: ClinVar variation 4017415 (VCV004017415.1).